The following is an entry in ClinVar:

NM_001077350.3(NPRL3):c.593G>T (p.Cys198Phe)

Genes: HBA-LCR (alpha-globin locus control region; plus strand), NPRL3 (NPR3 like, GATOR1 complex subunit; minus strand). Cytogenetic location: 16p13.3.
Variant type: single nucleotide variant.
Coding change: c.593G>T on transcript NM_001077350.3 (MANE Select); coding-DNA position 593, G replaced by T.
Protein change: p.Cys198Phe; replaces cysteine 198 with phenylalanine.
Molecular consequence: missense variant.
Genome position (GRCh38, 1-based): chr16:110,561, C>A on the plus strand (G>T on the coding strand, the complement: NPRL3 is on the minus strand). VCF-style: chr16-110561-C-A. GRCh37 (hg19) VCF-style: chr16-160559-C-A.
Other names: c.56G>T, p.Cys19Phe (NM_001039476.3); c.359G>T, p.Cys120Phe (NM_001243247.2); c.518G>T, p.Cys173Phe (NM_001243248.2, NM_001243249.2); short protein forms C198F, C120F, C19F, C173F.
Identifiers: ClinVar variation 2918384 (VCV002918384.3), dbSNP rs956042191, ClinGen allele CA393992774.
Genomic context (GRCh38, chr16:110,561, plus strand): 5'-AATAAGCACACCCACCTGTCTTACCTGTCATAAGCTTCCTTGAGGTCCCTGGCCAGCTTG[C>A]ACTTGGGCAGGATGTGATGGAATGGGGACTGAGGACCTTCATTTCCTACAAGAATCACAA-3'
Protein context (NP_001070818.1, residues 188-208): QSPFHHILPK[Cys198Phe]KLARDLKEAY

ClinVar aggregate classification (germline): Uncertain significance (1 of 4 stars; one submission).

Conditions:
Epilepsy, familial focal, with variable foci 3 (FFEVF3). Identifiers: MedGen C4310708, MONDO:0014925, OMIM 617118.

gnomAD v4.1: 3 of 1,612,220 alleles (0.00019%); highest among the groups gnomAD compares: Admixed American, 0.005%; no homozygotes.

Submission:

Labcorp Genetics (formerly Invitae), Labcorp
Classification: Uncertain significance for Epilepsy, familial focal, with variable foci 3. Last evaluated: 2023-02-16. Review status: criteria provided, single submitter. Criteria: Invitae Variant Classification Sherloc (09022015). Collection method: clinical testing. Allele origin: germline.
Comment: This sequence change replaces cysteine, which is neutral and slightly polar, with phenylalanine, which is neutral and non-polar, at codon 198 of the NPRL3 protein (p.Cys198Phe). This variant is present in population databases (no rsID available, gnomAD 0.009%). This variant has not been reported in the literature in individuals affected with NPRL3-related conditions. Advanced modeling of protein sequence and biophysical properties (such as structural, functional, and spatial information, amino acid conservation, physicochemical variation, residue mobility, and thermodynamic stability) has been performed at Invitae for this missense variant, however the output from this modeling did not meet the statistical confidence thresholds required to predict the impact of this variant on NPRL3 protein function. In summary, the available evidence is currently insufficient to determine the role of this variant in disease. Therefore, it has been classified as a Variant of Uncertain Significance.